The following is an entry in ClinVar:

NM_000245.4(MET):c.2283A>C (p.Thr761=)

Gene: MET (MET proto-oncogene, receptor tyrosine kinase; plus strand). Cytogenetic location: 7q31.2.
Variant type: single nucleotide variant.
Coding change: c.2283A>C on transcript NM_000245.4 (MANE Select); coding-DNA position 2283, A replaced by C.
Protein change: p.Thr761=; no amino-acid change (threonine 761 retained).
Molecular consequence: synonymous variant.
Genome position (GRCh38, 1-based): chr7:116,759,409, A>C. VCF-style: chr7-116759409-A-C. GRCh37 (hg19) VCF-style: chr7-116399463-A-C.
Other names: c.2337A>C, p.Thr779= (NM_001127500.3); c.2283A>C, p.Thr761= (NM_001324401.3); c.993A>C, p.Thr331= (NM_001324402.2).
Identifiers: ClinVar variation 1789788 (VCV001789788.3), dbSNP rs779694924, ClinGen allele CA4448448.

ClinVar aggregate classification (germline): Benign/Likely benign. Review status: criteria provided, multiple submitters, no conflicts (2 of 4 stars). 2 submissions from 2 submitters: Benign (1); Likely benign (1). Last evaluated 2024-11-11.

Conditions:
Hereditary cancer-predisposing syndrome. Also called: Hereditary Cancer Syndrome; Hereditary neoplastic syndrome; Tumor predisposition; Neoplastic Syndromes, Hereditary. Identifiers: Orphanet 140162, MedGen C0027672, MeSH D009386, MONDO:0015356.
Papillary renal cell carcinoma type 1 (RCCP1). Also called: RENAL CELL CARCINOMA, PAPILLARY, 1, SOMATIC; Renal adenocarcinoma; Renal cell carcinoma 1; Renal cell carcinoma, somatic. Identifiers: Orphanet 47044, MedGen C1336839, OMIM 605074, HP:0011797.

Allele frequency attached by ClinVar (database versions not stated): TOPMed below 0.00001; ExAC 0.00001; gnomAD 0.00001.
gnomAD v4.1: 1 of 1,613,612 alleles (0.000062%); highest among the groups gnomAD compares: African/African-American, 0.0013%; no homozygotes.

Submissions (2):

Myriad Genetics, Inc.
Classification: Benign for Papillary renal cell carcinoma type 1. Last evaluated: 2024-11-11. Review status: criteria provided, single submitter. Criteria: Myriad Autosomal Dominant, Autosomal Recessive and X-Linked Classification Criteria (2023). Collection method: clinical testing. Allele origin: unknown.
Comment: This variant is considered benign. This variant is a silent/synonymous amino acid change and it is not expected to impact splicing.

Ambry Genetics
Classification: Likely benign for Hereditary cancer-predisposing syndrome. Last evaluated: 2019-10-30. Review status: criteria provided, single submitter. Criteria: Ambry Variant Classification Scheme 2023. Collection method: clinical testing. Allele origin: germline.